The following is an entry in ClinVar:

NM_020928.2(ZSWIM6):c.2594C>A (p.Ser865Tyr)

Gene: ZSWIM6 (zinc finger SWIM-type containing 6; plus strand). Cytogenetic location: 5q12.1.
Variant type: single nucleotide variant.
Coding change: c.2594C>A on transcript NM_020928.2 (MANE Select); coding-DNA position 2594, C replaced by A.
Protein change: p.Ser865Tyr; replaces serine 865 with tyrosine.
Molecular consequence: missense variant.
Genome position (GRCh38, 1-based): chr5:61,539,650, C>A. VCF-style: chr5-61539650-C-A. GRCh37 (hg19) VCF-style: chr5-60835477-C-A.
Other names: short protein forms S865Y.
Identifiers: ClinVar variation 1418905 (VCV001418905.6), dbSNP rs2112290095, ClinGen allele CA359945704.

ClinVar aggregate classification (germline): Uncertain significance (1 of 4 stars; one submission).

Submission:

Labcorp Genetics (formerly Invitae), Labcorp
Classification: Uncertain significance. Last evaluated: 2025-08-04. Review status: criteria provided, single submitter. Criteria: Invitae Variant Classification Sherloc (09022015). Collection method: clinical testing. Allele origin: germline.
Comment: This sequence change replaces serine, which is neutral and polar, with tyrosine, which is neutral and polar, at codon 865 of the ZSWIM6 protein (p.Ser865Tyr). This variant is not present in population databases (gnomAD no frequency). This variant has not been reported in the literature in individuals affected with ZSWIM6-related conditions. ClinVar contains an entry for this variant (Variation ID: 1418905). Invitae Evidence Modeling of protein sequence and biophysical properties (such as structural, functional, and spatial information, amino acid conservation, physicochemical variation, residue mobility, and thermodynamic stability) indicates that this missense variant is not expected to disrupt ZSWIM6 protein function with a negative predictive value of 80%. In summary, the available evidence is currently insufficient to determine the role of this variant in disease. Therefore, it has been classified as a Variant of Uncertain Significance.